The following is an entry in ClinVar:

NM_172362.3(KCNH1):c.2167C>T (p.Arg723Ter)

Gene: KCNH1 (potassium voltage-gated channel subfamily H member 1; minus strand). Cytogenetic location: 1q32.2.
Variant type: single nucleotide variant.
Coding change: c.2167C>T on transcript NM_172362.3 (MANE Select); coding-DNA position 2167, C replaced by T.
Protein change: p.Arg723Ter; replaces arginine 723 with a stop codon.
Molecular consequence: nonsense.
Genome position (GRCh38, 1-based): chr1:210,684,084, G>A on the plus strand (C>T on the coding strand, the complement: KCNH1 is on the minus strand). VCF-style: chr1-210684084-G-A. GRCh37 (hg19) VCF-style: chr1-210857426-G-A.
Other names: c.2086C>T, p.Arg696Ter (NM_002238.4); short protein forms R696*, R723*.
Identifiers: ClinVar variation 4772252 (VCV004772252.1).
Genomic context (GRCh38, chr1:210,684,084, plus strand): 5'-TCTGGAAGAGGCGCCGGACAGGGTGGTCCGGGGGCAAGATCAGGGGGGCCTCATTCTTTC[G>A]TTTCATGCGTTCTTCCTCTTCACGTTTCACATCGCTGATCTTCCGGAACACAATCTGGAG-3'

ClinVar aggregate classification (germline): Uncertain significance (1 of 4 stars; one submission).

gnomAD v4.1: 8 of 1,516,956 alleles (0.00053%); highest among the groups gnomAD compares: South Asian, 0.0027%; no homozygotes.

Submission:

Labcorp Genetics (formerly Invitae), Labcorp
Classification: Uncertain significance. Last evaluated: 2025-11-24. Review status: criteria provided, single submitter. Criteria: Invitae Variant Classification Sherloc (09022015). Collection method: clinical testing. Allele origin: germline.
Comment: This sequence change creates a premature translational stop signal (p.Arg723*) in the KCNH1 gene. While this is not anticipated to result in nonsense mediated decay, it is expected to disrupt the last 267 amino acid(s) of the KCNH1 protein. This variant is present in population databases (rs777413393, gnomAD 0.005%). This variant has not been reported in the literature in individuals affected with KCNH1-related conditions. Experimental studies and prediction algorithms are not available or were not evaluated, and the functional significance of this variant is currently unknown. In summary, the available evidence is currently insufficient to determine the role of this variant in disease. Therefore, it has been classified as a Variant of Uncertain Significance.